The following is an entry in ClinVar:

NM_017635.5(KMT5B):c.1454A>T (p.Tyr485Phe)

Gene: KMT5B (lysine methyltransferase 5B; minus strand). Cytogenetic location: 11q13.2.
Variant type: single nucleotide variant.
Coding change: c.1454A>T on transcript NM_017635.5 (MANE Select); coding-DNA position 1454, A replaced by T.
Protein change: p.Tyr485Phe; replaces tyrosine 485 with phenylalanine.
Molecular consequence: missense variant.
Genome position (GRCh38, 1-based): chr11:68,158,892, T>A on the plus strand (A>T on the coding strand, the complement: KMT5B is on the minus strand). VCF-style: chr11-68158892-T-A. GRCh37 (hg19) VCF-style: chr11-67926359-T-A.
Other names: c.938A>T, p.Tyr313Phe (NM_001300907.1, NM_001369428.1, NM_001369429.1 and 4 more transcripts); c.734A>T, p.Tyr245Phe (NM_001300908.2); c.1454A>T, p.Tyr485Phe (NM_001369426.1); short protein forms Y245F, Y313F, Y485F.
Identifiers: ClinVar variation 1695751 (VCV001695751.2), dbSNP rs1289399500, ClinGen allele CA381594553.

ClinVar aggregate classification (germline): Uncertain significance (1 of 4 stars; one submission).

Submission:

GeneDx
Classification: Uncertain significance. Last evaluated: 2022-01-07. Review status: criteria provided, single submitter. Criteria: GeneDx Variant Classification Process June 2021. Collection method: clinical testing. Allele origin: germline. Affected: yes.
Comment: Not observed at significant frequency in large population cohorts (gnomAD); In silico analysis supports that this missense variant does not alter protein structure/function; Has not been previously published as pathogenic or benign to our knowledge